The following is an entry in ClinVar:

ClinVar aggregate classification (germline): Uncertain significance. Review status: criteria provided, multiple submitters, no conflicts (2 of 4 stars). 3 submissions from 3 submitters: Uncertain significance (3). Last evaluated 2024-05-10.

Conditions:
Severe combined immunodeficiency due to DNA-PKcs deficiency. Also called: IMMUNODEFICIENCY 26 WITH NEUROLOGIC ABNORMALITIES; Immunodeficiency 26 with or without neurologic abnormalities. Identifiers: Orphanet 317425, MedGen C4014833, MONDO:0014423, OMIM 615966.

Allele frequency attached by ClinVar (database versions not stated): ExAC 0.00002; gnomAD exomes 0.00003 and 0.00008; gnomAD 0.00005 and 0.00006; TOPMed 0.00005.
gnomAD v4.1: 124 of 1,612,850 alleles (0.0077%); highest among the groups gnomAD compares: Non-Finnish European, 0.0097%; no homozygotes.

Submissions (3):

Ambry Genetics
Classification: Uncertain significance. Last evaluated: 2024-05-10. Review status: criteria provided, single submitter. Criteria: Ambry Variant Classification Scheme 2023. Collection method: clinical testing. Allele origin: germline.
Comment: The p.G2652R variant (also known as c.7954G>A), located in coding exon 59 of the PRKDC gene, results from a G to A substitution at nucleotide position 7954. The glycine at codon 2652 is replaced by arginine, an amino acid with dissimilar properties. This amino acid position is conserved. In addition, this alteration is predicted to be tolerated by in silico analysis. Based on the available evidence, the clinical significance of this variant remains unclear.

Labcorp Genetics (formerly Invitae), Labcorp
Classification: Uncertain significance for Severe combined immunodeficiency due to DNA-PKcs deficiency. Last evaluated: 2022-08-23. Review status: criteria provided, single submitter. Criteria: Invitae Variant Classification Sherloc (09022015). Collection method: clinical testing. Allele origin: germline.
Comment: This sequence change replaces glycine, which is neutral and non-polar, with arginine, which is basic and polar, at codon 2652 of the PRKDC protein (p.Gly2652Arg). This variant is present in population databases (rs746861565, gnomAD 0.006%). This variant has not been reported in the literature in individuals affected with PRKDC-related conditions. ClinVar contains an entry for this variant (Variation ID: 648023). Algorithms developed to predict the effect of sequence changes on RNA splicing suggest that this variant may create or strengthen a splice site. In summary, the available evidence is currently insufficient to determine the role of this variant in disease. Therefore, it has been classified as a Variant of Uncertain Significance.

GeneDx
Classification: Uncertain significance. Last evaluated: 2019-11-15. Review status: criteria provided, single submitter. Criteria: GeneDx Variant Classification Process June 2021. Collection method: clinical testing. Allele origin: germline. Affected: yes.
Comment: In silico analysis, which includes protein predictors and evolutionary conservation, supports that this variant does not alter protein structure/function; Has not been previously published as pathogenic or benign to our knowledge

NM_006904.7(PRKDC):c.7954G>A (p.Gly2652Arg)

Gene: PRKDC (protein kinase, DNA-activated, catalytic subunit; minus strand). Cytogenetic location: 8q11.21.
Variant type: single nucleotide variant.
Coding change: c.7954G>A on transcript NM_006904.7 (MANE Select); coding-DNA position 7954, G replaced by A.
Protein change: p.Gly2652Arg; replaces glycine 2652 with arginine.
Molecular consequence: missense variant.
Genome position (GRCh38, 1-based): chr8:47,834,394, C>T on the plus strand (G>A on the coding strand, the complement: PRKDC is on the minus strand). VCF-style: chr8-47834394-C-T. GRCh37 (hg19) VCF-style: chr8-48746955-C-T.
Other names: c.7954G>A, p.Gly2652Arg (NM_001081640.2); short protein forms G2652R.
Identifiers: ClinVar variation 648023 (VCV000648023.8), dbSNP rs746861565, ClinGen allele CA4739969.